The following is an entry in ClinVar:

ClinVar aggregate classification (germline): Uncertain significance (1 of 4 stars; one submission).

gnomAD v4.1: 2 of 1,551,234 alleles (0.00013%); highest among the groups gnomAD compares: Admixed American, 0.002%; no homozygotes.

Submission:

Labcorp Genetics (formerly Invitae), Labcorp
Classification: Uncertain significance. Last evaluated: 2022-09-13. Review status: criteria provided, single submitter. Criteria: Invitae Variant Classification Sherloc (09022015). Collection method: clinical testing. Allele origin: germline.
Comment: This sequence change replaces alanine, which is neutral and non-polar, with threonine, which is neutral and polar, at codon 2729 of the EYS protein (p.Ala2729Thr). This variant is not present in population databases (gnomAD no frequency). This variant has not been reported in the literature in individuals affected with EYS-related conditions. Algorithms developed to predict the effect of missense changes on protein structure and function output the following: SIFT: "Tolerated"; PolyPhen-2: "Benign"; Align-GVGD: "Class C0". The threonine amino acid residue is found in multiple mammalian species, which suggests that this missense change does not adversely affect protein function. In summary, the available evidence is currently insufficient to determine the role of this variant in disease. Therefore, it has been classified as a Variant of Uncertain Significance.

NM_001142800.2(EYS):c.8185G>A (p.Ala2729Thr)

Gene: EYS (eyes shut homolog; minus strand). Cytogenetic location: 6q12.
Variant type: single nucleotide variant.
Coding change: c.8185G>A on transcript NM_001142800.2 (MANE Select); coding-DNA position 8185, G replaced by A.
Protein change: p.Ala2729Thr; replaces alanine 2729 with threonine.
Molecular consequence: missense variant.
Genome position (GRCh38, 1-based): chr6:63,726,567, C>T on the plus strand (G>A on the coding strand, the complement: EYS is on the minus strand). VCF-style: chr6-63726567-C-T. GRCh37 (hg19) VCF-style: chr6-64436460-C-T.
Other names: c.8248G>A, p.Ala2750Thr (NM_001292009.2); short protein forms A2729T, A2750T.
Identifiers: ClinVar variation 2201399 (VCV002201399.1), dbSNP rs964398747, ClinGen allele CA364385919.